The following is an entry in ClinVar:

NM_005751.5(AKAP9):c.11686+7dup

Gene: AKAP9 (A-kinase anchoring protein 9; plus strand). Cytogenetic location: 7q21.2.
Variant type: Duplication.
Coding change: c.11686+7dup on transcript NM_005751.5 (MANE Select); 7 bases into the intron after coding-DNA position 11686, one base duplicated (T; older notation c.11686+7dupT).
Molecular consequence: intron variant.
Genome position (GRCh38, 1-based): chr7:92,108,640, T duplicated. VCF-style (leftmost placement, unchanged base first): chr7-92108639-C-CT. GRCh37 (hg19) VCF-style: chr7-91737953-C-CT.
Other names: c.11662+7dup (NM_147185.3); c.6331+7dup (NM_001379277.1).
Identifiers: ClinVar variation 3042446 (VCV003042446.4), dbSNP rs2535335924, ClinGen allele CA2683695358.

ClinVar aggregate classification (germline): Likely benign. Review status: criteria provided, single submitter (1 of 4 stars). 2 submissions from 2 submitters: Likely benign (1). 1 of the submissions does not count toward it. Last evaluated 2024-03-26.

Conditions:
AKAP9-related disorder. Also called: AKAP9-related condition.
Long QT syndrome (LQTS). Identifiers: MedGen C0023976, MeSH D008133, MONDO:0002442. Disease mechanism: loss of function. Inheritance: Various modes of inheritance.

Allele frequency attached by ClinVar (database versions not stated): gnomAD exomes below 0.00001.

Submissions (2):

Labcorp Genetics (formerly Invitae), Labcorp
Classification: Likely benign for Long QT syndrome. Last evaluated: 2024-03-26. Review status: criteria provided, single submitter. Criteria: Invitae Variant Classification Sherloc (09022015). Collection method: clinical testing. Allele origin: germline.

PreventionGenetics, part of Exact Sciences
Classification: Likely benign for AKAP9-related condition. Last evaluated: 2019-06-26. Review status: no assertion criteria provided. Collection method: clinical testing. Allele origin: germline. Not counted in ClinVar's aggregate classification.
Comment: This variant is classified as likely benign based on ACMG/AMP sequence variant interpretation guidelines (Richards et al. 2015 PMID: 25741868, with internal and published modifications).